The following is an entry in ClinVar:

NM_002880.4(RAF1):c.922C>T (p.Pro308Ser)

Gene: RAF1 (Raf-1 proto-oncogene, serine/threonine kinase; minus strand). Cytogenetic location: 3p25.2.
Variant type: single nucleotide variant.
Coding change: c.922C>T on transcript NM_002880.4 (MANE Select); coding-DNA position 922, C replaced by T.
Protein change: p.Pro308Ser; replaces proline 308 with serine.
Molecular consequence: missense variant. On other transcripts: non-coding transcript variant (3).
Genome position (GRCh38, 1-based): chr3:12,600,220, G>A on the plus strand (C>T on the coding strand, the complement: RAF1 is on the minus strand). VCF-style: chr3-12600220-G-A. GRCh37 (hg19) VCF-style: chr3-12641719-G-A.
Other names: c.982C>T, p.Pro328Ser (NM_001354689.3); c.922C>T, p.Pro308Ser (NM_001354690.3); c.679C>T, p.Pro227Ser (NM_001354691.3, NM_001354692.3); c.823C>T, p.Pro275Ser (NM_001354693.3); c.739C>T, p.Pro247Ser (NM_001354694.3); c.580C>T, p.Pro194Ser (NM_001354695.3); short protein forms P247S, P308S, P328S, P227S, P194S, P275S.
Identifiers: ClinVar variation 2729374 (VCV002729374.3), dbSNP rs2125380532, ClinGen allele CA351508922.
Genomic context (GRCh38, chr3:12,600,220, plus strand): 5'-TTTTCTCCTGGGTCCCAGATACTGGTGCCCGCTCTCTTTGTGCTGGCACGGGGGTTTTCG[G>A]CTGTGACCAGCCTGTTGGGCTCAGATTGTTGGGGCTACTGGACAGGGCTGAAGGTGAGGC-3'
Protein context (NP_002871.1, residues 298-318): NNLSPTGWSQ[Pro308Ser]KTPVPAQRER

ClinVar aggregate classification (germline): Uncertain significance (1 of 4 stars; one submission).

Conditions:
RASopathy. Also called: rasopathies; Noonan spectrum disorder. Identifiers: Orphanet 536391, MedGen C5555857, MONDO:0021060.

Submission:

Labcorp Genetics (formerly Invitae), Labcorp
Classification: Uncertain significance for RASopathy. Last evaluated: 2022-12-05. Review status: criteria provided, single submitter. Criteria: Invitae Variant Classification Sherloc (09022015). Collection method: clinical testing. Allele origin: germline.
Comment: In summary, the available evidence is currently insufficient to determine the role of this variant in disease. Therefore, it has been classified as a Variant of Uncertain Significance. Advanced modeling of protein sequence and biophysical properties (such as structural, functional, and spatial information, amino acid conservation, physicochemical variation, residue mobility, and thermodynamic stability) performed at Invitae indicates that this missense variant is not expected to disrupt RAF1 protein function. This variant has not been reported in the literature in individuals affected with RAF1-related conditions. This variant is not present in population databases (gnomAD no frequency). This sequence change replaces proline, which is neutral and non-polar, with serine, which is neutral and polar, at codon 308 of the RAF1 protein (p.Pro308Ser).